The following is an entry in ClinVar:

ClinVar aggregate classification (germline): Likely pathogenic. Review status: criteria provided, multiple submitters, no conflicts (2 of 4 stars). 3 submissions from 3 submitters: Likely pathogenic (2). 1 of the submissions does not count toward it. Last evaluated 2025-10-31.

Conditions:
Wilson disease (WND). Also called: Wilson's disease. Identifiers: Orphanet 905, MedGen C0019202, MONDO:0010200, OMIM 277900. Disease mechanism: loss of function.

Allele frequency attached by ClinVar (database versions not stated): gnomAD 0.00003.
gnomAD v4.1: 1 of 1,614,006 alleles (0.000062%); highest among the groups gnomAD compares: Non-Finnish European, 0.000085%; no homozygotes.

Submissions (3):

Natera, Inc.
Classification: Likely pathogenic for Wilson disease. Last evaluated: 2025-10-31. Review status: criteria provided, single submitter. Criteria: Natera Variant Classification Schema (03/2026). Collection method: clinical testing. Allele origin: germline.
Comment: The c.3556G>C variant in ATP7B is a missense variant predicted to cause substitution of glycine to arginine at amino acid 1186. This variant is rare in the general population with a frequency below the threshold expected for the associated phenotype(s). This variant has been observed in one or more individuals affected with the associated recessive disease, as either homozygous or compound heterozygous with a second variant (PMID: 35257483, 30702195, 24094725). A different variant at the same position has been determined to be Pathogenic or Likely Pathogenic. Computational prediction algorithms indicate this variant is likely to affect gene or protein function. Given the available evidence, this variant is classified as Likely Pathogenic.

Myriad Genetics, Inc.
Classification: Likely pathogenic for Wilson disease. Last evaluated: 2025-10-23. Review status: criteria provided, single submitter. Criteria: Myriad Autosomal Dominant, Autosomal Recessive and X-Linked Classification Criteria (2023). Collection method: clinical testing. Allele origin: unknown.
Comment: NM_000053.3(ATP7B):c.3556G>C(G1186R) is a missense variant classified as likely pathogenic in the context of Wilson disease. G1186R has been observed in cases with relevant disease (PMID: 24094725, 30702195). Relevant functional assessments of this variant are not available in the literature. G1186R has not been observed in referenced population frequency databases. In summary, NM_000053.3(ATP7B):c.3556G>C(G1186R) is a missense variant that has been observed more frequently in cases with the relevant disease than in healthy populations. Please note: this variant was assessed in the context of healthy population screening.

Counsyl
Classification: Uncertain significance for Wilson disease. Last evaluated: 2018-05-08. Review status: no assertion criteria provided. Collection method: clinical testing. Allele origin: unknown. Not counted in ClinVar's aggregate classification.

Literature cited by the submitters: PubMed 35257483 (cited by Natera, Inc.); PubMed 30702195 (cited by Natera, Inc. and Myriad Genetics, Inc.); PubMed 24094725 (cited by 3 submitters).

NM_000053.4(ATP7B):c.3556G>C (p.Gly1186Arg)

Gene: ATP7B (ATPase copper transporting beta; minus strand). Cytogenetic location: 13q14.3.
Variant type: single nucleotide variant.
Coding change: c.3556G>C on transcript NM_000053.4 (MANE Select); coding-DNA position 3556, G replaced by C.
Protein change: p.Gly1186Arg; replaces glycine 1186 with arginine.
Molecular consequence: missense variant.
Genome position (GRCh38, 1-based): chr13:51,941,081, C>G on the plus strand (G>C on the coding strand, the complement: ATP7B is on the minus strand). VCF-style: chr13-51941081-C-G. GRCh37 (hg19) VCF-style: chr13-52515217-C-G.
Other names: c.2935G>C, p.Gly979Arg (NM_001005918.3); c.3223G>C, p.Gly1075Arg (NM_001243182.2); c.3322G>C, p.Gly1108Arg (NM_001330578.2); c.3304G>C, p.Gly1102Arg (NM_001330579.2); short protein forms G1186R, G1108R, G979R, G1075R, G1102R.
Identifiers: ClinVar variation 558238 (VCV000558238.4), dbSNP rs786204547, ClinGen allele CA388025845.